The following is an entry in ClinVar:

ClinVar aggregate classification (germline): Uncertain significance (1 of 4 stars; one submission).

gnomAD v4.1: 1 of 1,208,992 alleles (0.000083%); highest among the groups gnomAD compares: Non-Finnish European, 0.00011%; no homozygotes.

Submission:

GeneDx
Classification: Uncertain significance. Last evaluated: 2023-06-21. Review status: criteria provided, single submitter. Criteria: GeneDx Variant Classification Process June 2021. Collection method: clinical testing. Allele origin: germline. Affected: yes.
Comment: Not observed at significant frequency in large population cohorts (gnomAD); In silico analysis supports that this missense variant has a deleterious effect on protein structure/function; Has not been previously published as pathogenic or benign to our knowledge

NM_031407.7(HUWE1):c.5249T>C (p.Leu1750Ser)

Gene: HUWE1 (HECT, UBA and WWE domain containing E3 ubiquitin protein ligase 1; minus strand). Cytogenetic location: Xp11.22.
Variant type: single nucleotide variant.
Coding change: c.5249T>C on transcript NM_031407.7 (MANE Select); coding-DNA position 5249, T replaced by C.
Protein change: p.Leu1750Ser; replaces leucine 1750 with serine.
Molecular consequence: missense variant.
Genome position (GRCh38, 1-based): chrX:53,583,829, A>G on the plus strand (T>C on the coding strand, the complement: HUWE1 is on the minus strand). VCF-style: chrX-53583829-A-G. GRCh37 (hg19) VCF-style: chrX-53610789-A-G.
Other names: short protein forms L1750S.
Identifiers: ClinVar variation 3360059 (VCV003360059.1).